The following is an entry in ClinVar:

NM_001291746.2(REL):c.394+3A>G

Gene: REL (REL proto-oncogene, NF-kB subunit; plus strand). Cytogenetic location: 2p16.1.
Variant type: single nucleotide variant.
Coding change: c.394+3A>G on transcript NM_001291746.2 (MANE Select); 3 bases into the intron after coding-DNA position 394, A replaced by G.
Molecular consequence: intron variant.
Genome position (GRCh38, 1-based): chr2:60,901,086, A>G. VCF-style: chr2-60901086-A-G. GRCh37 (hg19) VCF-style: chr2-61128221-A-G.
Other names: c.394+3A>G (NM_002908.4).
Identifiers: ClinVar variation 2102071 (VCV002102071.4), dbSNP rs2466211078, ClinGen allele CA2580067550.

ClinVar aggregate classification (germline): Uncertain significance (1 of 4 stars; one submission).

Allele frequency attached by ClinVar (database versions not stated): gnomAD exomes below 0.00001.
gnomAD v4.1: 1 of 1,573,464 alleles (0.000064%); highest among the groups gnomAD compares: Non-Finnish European, 0.000086%; no homozygotes.

Submission:

Labcorp Genetics (formerly Invitae), Labcorp
Classification: Uncertain significance. Last evaluated: 2022-02-22. Review status: criteria provided, single submitter. Criteria: Invitae Variant Classification Sherloc (09022015). Collection method: clinical testing. Allele origin: germline.
Comment: In summary, the available evidence is currently insufficient to determine the role of this variant in disease. Therefore, it has been classified as a Variant of Uncertain Significance. Variants that disrupt the consensus splice site are a relatively common cause of aberrant splicing (PMID: 17576681, 9536098). Algorithms developed to predict the effect of sequence changes on RNA splicing suggest that this variant is not likely to affect RNA splicing. This variant has not been reported in the literature in individuals affected with REL-related conditions. This variant is not present in population databases (gnomAD no frequency). This sequence change falls in intron 4 of the REL gene. It does not directly change the encoded amino acid sequence of the REL protein. It affects a nucleotide within the consensus splice site.

Literature cited by the submitters: PubMed 17576681; PubMed 9536098.